The following is an entry in ClinVar:

ClinVar aggregate classification (germline): Pathogenic (1 of 4 stars; one submission).

Conditions:
DICER1-related tumor predisposition. Also called: DICER1 syndrome; DICER1-related pleuropulmonary blastoma cancer predisposition syndrome. Identifiers: Orphanet 284343, MedGen C3839822, MONDO:0100216.

Submission:

Labcorp Genetics (formerly Invitae), Labcorp
Classification: Pathogenic for DICER1-related tumor predisposition. Last evaluated: 2023-01-20. Review status: criteria provided, single submitter. Criteria: Invitae Variant Classification Sherloc (09022015). Collection method: clinical testing. Allele origin: germline.
Comment: This sequence change creates a premature translational stop signal (p.Asn1240Ilefs*18) in the DICER1 gene. It is expected to result in an absent or disrupted protein product. Loss-of-function variants in DICER1 are known to be pathogenic (PMID: 19556464, 21266384). For these reasons, this variant has been classified as Pathogenic. ClinVar contains an entry for this variant (Variation ID: 952863). This variant has not been reported in the literature in individuals affected with DICER1-related conditions. This variant is not present in population databases (gnomAD no frequency).

Literature cited by the submitters: PubMed 19556464; PubMed 21266384.

NM_177438.3(DICER1):c.3719del (p.Asn1240fs)

Gene: DICER1 (dicer 1, ribonuclease III; minus strand). Cytogenetic location: 14q32.13.
Variant type: Deletion.
Coding change: c.3719del on transcript NM_177438.3 (MANE Select); coding-DNA position 3719, one base deleted (A; older notation c.3719delA).
Protein change: p.Asn1240fs; shifts the reading frame from asparagine 1240.
Molecular consequence: frameshift variant.
Genome position (GRCh38, 1-based): chr14:95,103,677, T deleted on the plus strand (A on the coding strand, the reverse complement: DICER1 is on the minus strand); the first of 2 consecutive T bases (chr14:95,103,677-95,103,678); deleting either gives the same sequence. VCF-style (leftmost placement, unchanged base first): chr14-95103676-AT-A. GRCh37 (hg19) VCF-style: chr14-95570013-AT-A.
Other names: c.3719del, p.Asn1240fs (NM_001195573.1, NM_001271282.3, NM_001291628.2 and 1 more transcripts); short protein forms N1240fs.
Identifiers: ClinVar variation 952863 (VCV000952863.9), dbSNP rs1891113792, ClinGen allele CA1139663712.
Genomic context (GRCh38, chr14:95,103,676, plus strand): 5'-TACGGCCATCACAGGACTTCCATCTGAGGTAGATTTGTTAGCATTTCCATCAAGGTATTT[AT>A]TACTCAGGAGAGTACATTCATCGCTGGGCTGGGGCTGGTTCTCGTAACTGTATAAATTCT-3'